The following is an entry in ClinVar:

ClinVar aggregate classification (germline): Uncertain significance (1 of 4 stars; one submission).

Conditions:
Long QT syndrome (LQTS). Identifiers: MedGen C0023976, MeSH D008133, MONDO:0002442. Disease mechanism: loss of function. Inheritance: Various modes of inheritance.

Allele frequency attached by ClinVar (database versions not stated): gnomAD exomes below 0.00001.
gnomAD v4.1: 4 of 1,612,666 alleles (0.00025%); highest among the groups gnomAD compares: East Asian, 0.0022%; no homozygotes.

Submission:

Labcorp Genetics (formerly Invitae), Labcorp
Classification: Uncertain significance for Long QT syndrome. Last evaluated: 2025-04-26. Review status: criteria provided, single submitter. Criteria: Invitae Variant Classification Sherloc (09022015). Collection method: clinical testing. Allele origin: germline.
Comment: This sequence change replaces arginine, which is basic and polar, with cysteine, which is neutral and slightly polar, at codon 1726 of the CACNA1C protein (p.Arg1726Cys). This variant is not present in population databases (gnomAD no frequency). This variant has not been reported in the literature in individuals affected with CACNA1C-related conditions. ClinVar contains an entry for this variant (Variation ID: 2140841). Invitae Evidence Modeling of protein sequence and biophysical properties (such as structural, functional, and spatial information, amino acid conservation, physicochemical variation, residue mobility, and thermodynamic stability) indicates that this missense variant is expected to disrupt CACNA1C protein function with a positive predictive value of 95%. In summary, the available evidence is currently insufficient to determine the role of this variant in disease. Therefore, it has been classified as a Variant of Uncertain Significance.

NM_000719.7(CACNA1C):c.5176C>T (p.Arg1726Cys)

Genes: CACNA1C (calcium voltage-gated channel subunit alpha1 C; plus strand), CACNA1C-AS1 (CACNA1C antisense RNA 1; minus strand). Cytogenetic location: 12p13.33.
Variant type: single nucleotide variant.
Coding change: c.5176C>T on transcript NM_000719.7 (MANE Select); coding-DNA position 5176, C replaced by T.
Protein change: p.Arg1726Cys; replaces arginine 1726 with cysteine.
Molecular consequence: missense variant.
Genome position (GRCh38, 1-based): chr12:2,679,528, C>T. VCF-style: chr12-2679528-C-T. GRCh37 (hg19) VCF-style: chr12-2788694-C-T.
Other names: c.5320C>T, p.Arg1774Cys (NM_001129827.2, NM_199460.4); c.5299C>T, p.Arg1767Cys (NM_001129829.2); c.5176C>T, p.Arg1726Cys (NM_001129830.3, NM_001129840.2, NM_001129841.2 and 4 more transcripts); c.5260C>T, p.Arg1754Cys (NM_001129831.2); c.5236C>T, p.Arg1746Cys (NM_001129832.2); c.5233C>T, p.Arg1745Cys (NM_001129833.2, NM_001129834.2, NM_001129835.2); c.5227C>T, p.Arg1743Cys (NM_001129836.2); c.5200C>T, p.Arg1734Cys (NM_001129837.2, NM_001129838.2); and 3 more; short protein forms R1723C, R1767C, R1745C, R1754C, R1726C, R1734C, R1743C, R1715C.
Identifiers: ClinVar variation 2140841 (VCV002140841.4), dbSNP rs2532516461, ClinGen allele CA383378657.
Genomic context (GRCh38, chr12:2,679,528, plus strand): 5'-CACGTCAGCTACTACCAAAGCGACGGCCGGAGCGCCTTCCCCCAGACCTTCACCACTCAG[C>T]GCCCGCTGCACATCAACAAGGCGGGCAGCAGCCAGGGCGACACTGAGTCGCCATCCCACG-3'
Protein context (NP_000710.5, residues 1716-1736): SAFPQTFTTQ[Arg1726Cys]PLHINKAGSS